The following is an entry in ClinVar:

ClinVar aggregate classification (germline): Pathogenic/Likely pathogenic. Review status: criteria provided, multiple submitters, no conflicts (2 of 4 stars). 6 submissions from 6 submitters: Pathogenic (4); Likely pathogenic (2). Last evaluated 2025-12-29.

Conditions:
Autosomal dominant hypocalcemia 1 (HYPOC1). Also called: HYPOCALCEMIA, FAMILIAL. Identifiers: MedGen C3715128, MONDO:0011013, OMIM 601198.
Familial hypocalciuric hypercalcemia (FHH). Also called: Familial benign hypercalcemia. Identifiers: Orphanet 405, MedGen C1809471, MONDO:0018458.
Nephrolithiasis/nephrocalcinosis. Identifiers: MedGen CN580796.
Familial hypocalciuric hypercalcemia 1. Also called: Hypercalcemia, familial benign type 1. Identifiers: Orphanet 405, Orphanet 93372, MedGen C0342637, MONDO:0007791, OMIM 145980.

Allele frequency attached by ClinVar (database versions not stated): TOPMed below 0.00001.
gnomAD v4.1: 2 of 1,613,928 alleles (0.00012%); highest among the groups gnomAD compares: Admixed American, 0.0017%; no homozygotes.

Submissions (6):

Center for Genomic Medicine, Rigshospitalet, Copenhagen University Hospital
Classification: Likely pathogenic. Last evaluated: 2025-12-29. Review status: criteria provided, single submitter. Criteria: ACMG Guidelines, 2015. Collection method: clinical testing. Allele origin: germline.

Women's Health and Genetics/Laboratory Corporation of America, LabCorp
Classification: Pathogenic for Familial hypocalciuric hypercalcemia. Last evaluated: 2025-01-07. Review status: criteria provided, single submitter. Criteria: LabCorp Variant Classification Summary - May 2015. Collection method: clinical testing. Allele origin: germline.
Comment: Variant summary: CASR c.197G>A (p.Arg66His) results in a non-conservative amino acid change in the encoded protein sequence. Five of five in-silico tools predict a damaging effect of the variant on protein function. The variant was absent in 251326 control chromosomes. c.197G>A has been reported in the literature in individuals affected with Familial Hypocalciuric Hypercalcemia and neonatal severe hyperparathyroidism (examples: Pidasheva_2006, Mouly_2020, Dershem_2020). These data indicate that the variant is likely to be associated with disease. A different variant affecting the same codon has been classified as pathogenic by our lab (c.196C>T,p.Arg66Cys), supporting the critical relevance of codon 66 to CASR protein function. At least one publication reports experimental evidence evaluating an impact on protein function. The most pronounced variant effect results in impaired trafficking from the endoplasmic reticulum, reduced levels of mature fully glycosylated protein, and was unresponsive to high calcium levels, with little or no activation of ERK1/2 (examples: Pidasheva_2006, Dershem_2020) . The following publications have been ascertained in the context of this evaluation (PMID: 16740594, 32347971, 32386559). ClinVar contains an entry for this variant (Variation ID: 650821). Based on the evidence outlined above, the variant was classified as pathogenic.

Labcorp Genetics (formerly Invitae), Labcorp
Classification: Pathogenic for Familial hypocalciuric hypercalcemia; Autosomal dominant hypocalcemia 1. Last evaluated: 2024-07-15. Review status: criteria provided, single submitter. Criteria: Invitae Variant Classification Sherloc (09022015). Collection method: clinical testing. Allele origin: germline.
Comment: This sequence change replaces arginine, which is basic and polar, with histidine, which is basic and polar, at codon 66 of the CASR protein (p.Arg66His). This variant is not present in population databases (gnomAD no frequency). This missense change has been observed in individual(s) with familial hypocalciuric hypercalcemia and/or neonatal severe hyperparathyroidism (PMID: 16740594, 32347971, 32386559). It has also been observed to segregate with disease in related individuals. Invitae’s autosomal dominant CASR-related conditions clinical variant model, which takes into account the clinical and family history, age, sex, and reported ancestry of multiple individuals with this CASR variant, predicts that it is pathogenic with a positive predictive value of at least 99%. This is a validated machine learning model developed at Invitae that incorporates the clinical features of 606,512 individuals referred for testing at Invitae. ClinVar contains an entry for this variant (Variation ID: 650821). An algorithm developed to predict the effect of missense changes on protein structure and function (PolyPhen-2) suggests that this variant is likely to be disruptive. Experimental studies have shown that this missense change affects CASR function (PMID: 16740594, 25104082). For these reasons, this variant has been classified as Pathogenic.

Cardiovascular Genetics Laboratory, PathWest Laboratory Medicine WA - Fiona Stanley Hospital
Classification: Pathogenic for Familial hypocalciuric hypercalcemia 1. Last evaluated: 2023-11-21. Review status: criteria provided, single submitter. Criteria: ACMG Guidelines, 2015. Collection method: clinical testing. Allele origin: germline. Affected: yes.

GeneDx
Classification: Pathogenic. Last evaluated: 2022-01-07. Review status: criteria provided, single submitter. Criteria: GeneDx Variant Classification Process June 2021. Collection method: clinical testing. Allele origin: germline. Affected: yes.
Comment: Published functional studies demonstrate disruption of protein trafficking to the cell surface and impaired cell singling response (Pidasheva et al., 2006; Dershem et al., 2020); Not observed at significant frequency in large population cohorts (gnomAD); In silico analysis supports that this missense variant has a deleterious effect on protein structure/function; This variant is associated with the following publications: (PMID: 16740594, 25525159, 32347971, 32386559, 25104082, 27434672, 31778168)

Ambry Genetics
Classification: Likely pathogenic for Nephrolithiasis/nephrocalcinosis. Last evaluated: 2020-01-22. Review status: criteria provided, single submitter. Criteria: Ambry Variant Classification Scheme 2023. Collection method: clinical testing. Allele origin: germline.
Comment: The p.R66H variant (also known as c.197G>A), located in coding exon 2 of the CASR gene, results from a G to A substitution at nucleotide position 197. The arginine at codon 66 is replaced by histidine, an amino acid with highly similar properties. This variant was identified in the homozygous state in two siblings with neonatal severe hyperparathyroidism and was confirmed heterozygous in both parents with familial hypocalciuric hypercalcemia (Pidasheva S et al. Hum. Mol. Genet., 2006 Jul;15:2200-9). In HEK293 cells, this variant demonstrated impaired trafficking from the endoplasmic reticulum, reduced levels of mature fully glycosylated protein, and was unresponsive to high calcium levels, with little or no activation of ERK1/2 compared to wild type (Pidasheva S et al. Hum. Mol. Genet., 2006 Jul;15:2200-9; Stratta P et al. Nephrol. Dial. Transplant., 2014 Oct;29:1902-9). This amino acid position is highly conserved in available vertebrate species. In addition, this alteration is predicted to be deleterious by in silico analysis. Based on the majority of available evidence to date, this variant is likely to be pathogenic.

Literature cited by the submitters: PubMed 25104082 (cited by 3 submitters); PubMed 16740594 (cited by 5 submitters); PubMed 32347971 (cited by 3 submitters); PubMed 32386559 (cited by 3 submitters); PubMed 27434672 (cited by Cardiovascular Genetics Laboratory, PathWest Laboratory Medicine WA - Fiona Stanley Hospital).

NM_000388.4(CASR):c.197G>A (p.Arg66His)

Gene: CASR (calcium sensing receptor; plus strand). Cytogenetic location: 3q21.1.
Variant type: single nucleotide variant.
Coding change: c.197G>A on transcript NM_000388.4 (MANE Select); coding-DNA position 197, G replaced by A.
Protein change: p.Arg66His; replaces arginine 66 with histidine.
Molecular consequence: missense variant.
Genome position (GRCh38, 1-based): chr3:122,257,092, G>A. VCF-style: chr3-122257092-G-A. GRCh37 (hg19) VCF-style: chr3-121975939-G-A.
Other names: c.197G>A, p.Arg66His (NM_001178065.2); short protein forms R66H.
Identifiers: ClinVar variation 650821 (VCV000650821.14), dbSNP rs1276839362, ClinGen allele CA354362364.